The following is an entry in ClinVar:

NM_001105206.3(LAMA4):c.5062G>A (p.Gly1688Ser)

Gene: LAMA4 (laminin subunit alpha 4; minus strand). Cytogenetic location: 6q21.
Variant type: single nucleotide variant.
Coding change: c.5062G>A on transcript NM_001105206.3 (MANE Select); coding-DNA position 5062, G replaced by A.
Protein change: p.Gly1688Ser; replaces glycine 1688 with serine.
Molecular consequence: missense variant.
Genome position (GRCh38, 1-based): chr6:112,115,913, C>T on the plus strand (G>A on the coding strand, the complement: LAMA4 is on the minus strand). VCF-style: chr6-112115913-C-T. GRCh37 (hg19) VCF-style: chr6-112437116-C-T.
Other names: c.5041G>A, p.Gly1681Ser (NM_001105207.3, NM_002290.5); c.5041G>A (NM_002290.3); short protein forms G1681S, G1688S.
Identifiers: ClinVar variation 1429627 (VCV001429627.8), dbSNP rs782194407, ClinGen allele CA3964829.

ClinVar aggregate classification (germline): Uncertain significance. Review status: criteria provided, multiple submitters, no conflicts (2 of 4 stars). 3 submissions from 3 submitters: Uncertain significance (3). Last evaluated 2025-03-18.

Conditions:
Cardiovascular phenotype. Identifiers: MedGen CN230736.
Dilated cardiomyopathy 1JJ (CMD1JJ). Identifiers: Orphanet 154, MedGen C3808935, MONDO:0014095, OMIM 615235.

Allele frequency attached by ClinVar (database versions not stated): ExAC 0.00001; gnomAD 0.00001 and 0.00002; gnomAD exomes 0.00001; TOPMed 0.00002.
gnomAD v4.1: 13 of 1,613,318 alleles (0.00081%); highest among the groups gnomAD compares: Admixed American, 0.0017%; no homozygotes.

Submissions (3):

Ambry Genetics
Classification: Uncertain significance for Cardiovascular phenotype. Last evaluated: 2025-03-18. Review status: criteria provided, single submitter. Criteria: Ambry Variant Classification Scheme 2023. Collection method: clinical testing. Allele origin: germline.
Comment: The p.G1681S variant (also known as c.5041G>A), located in coding exon 35 of the LAMA4 gene, results from a G to A substitution at nucleotide position 5041. The glycine at codon 1681 is replaced by serine, an amino acid with similar properties. This amino acid position is conserved. In addition, the in silico prediction for this alteration is inconclusive. Based on the available evidence, the clinical significance of this variant remains unclear.

Labcorp Genetics (formerly Invitae), Labcorp
Classification: Uncertain significance for Dilated cardiomyopathy 1JJ. Last evaluated: 2022-08-10. Review status: criteria provided, single submitter. Criteria: Invitae Variant Classification Sherloc (09022015). Collection method: clinical testing. Allele origin: germline.
Comment: This sequence change replaces glycine, which is neutral and non-polar, with serine, which is neutral and polar, at codon 1681 of the LAMA4 protein (p.Gly1681Ser). This variant is present in population databases (rs782194407, gnomAD 0.003%). In summary, the available evidence is currently insufficient to determine the role of this variant in disease. Therefore, it has been classified as a Variant of Uncertain Significance. Algorithms developed to predict the effect of sequence changes on RNA splicing suggest that this variant may create or strengthen a splice site. Algorithms developed to predict the effect of missense changes on protein structure and function are either unavailable or do not agree on the potential impact of this missense change (SIFT: "Tolerated"; PolyPhen-2: "Probably Damaging"; Align-GVGD: "Class C0"). ClinVar contains an entry for this variant (Variation ID: 1429627). This variant has not been reported in the literature in individuals affected with LAMA4-related conditions.

Fulgent Genetics
Classification: Uncertain significance for Dilated cardiomyopathy 1JJ. Last evaluated: 2021-09-01. Review status: criteria provided, single submitter. Criteria: ACMG Guidelines, 2015. Collection method: clinical testing. Allele origin: unknown.